The following is an entry in ClinVar:

ClinVar aggregate classification (germline): Uncertain significance. Review status: criteria provided, multiple submitters, no conflicts (2 of 4 stars). 2 submissions from 2 submitters: Uncertain significance (2). Last evaluated 2025-07-14.

Conditions:
Cardiovascular phenotype. Identifiers: MedGen CN230736.
Brugada syndrome 8 (BRGDA8). Identifiers: Orphanet 130, MedGen C2751083, MONDO:0013148, OMIM 613123.

Allele frequency attached by ClinVar (database versions not stated): TOPMed 0.00002; gnomAD 0.00003.
gnomAD v4.1: 12 of 1,601,672 alleles (0.00075%); highest among the groups gnomAD compares: Admixed American, 0.0067%; no homozygotes.

Submissions (2):

Labcorp Genetics (formerly Invitae), Labcorp
Classification: Uncertain significance for Brugada syndrome 8. Last evaluated: 2025-07-14. Review status: criteria provided, single submitter. Criteria: Invitae Variant Classification Sherloc (09022015). Collection method: clinical testing. Allele origin: germline.
Comment: This sequence change replaces alanine, which is neutral and non-polar, with valine, which is neutral and non-polar, at codon 194 of the HCN4 protein (p.Ala194Val). This variant is present in population databases (rs773676799, gnomAD 0.006%). This variant has not been reported in the literature in individuals affected with HCN4-related conditions. ClinVar contains an entry for this variant (Variation ID: 578100). Invitae Evidence Modeling of protein sequence and biophysical properties (such as structural, functional, and spatial information, amino acid conservation, physicochemical variation, residue mobility, and thermodynamic stability) indicates that this missense variant is not expected to disrupt HCN4 protein function with a negative predictive value of 95%. In summary, the available evidence is currently insufficient to determine the role of this variant in disease. Therefore, it has been classified as a Variant of Uncertain Significance.

Ambry Genetics
Classification: Uncertain significance for Cardiovascular phenotype. Last evaluated: 2025-06-30. Review status: criteria provided, single submitter. Criteria: Ambry Variant Classification Scheme 2023. Collection method: clinical testing. Allele origin: germline.

NM_005477.3(HCN4):c.581C>T (p.Ala194Val)

Gene: HCN4 (hyperpolarization activated cyclic nucleotide gated potassium channel 4; minus strand). Cytogenetic location: 15q24.1.
Variant type: single nucleotide variant.
Coding change: c.581C>T on transcript NM_005477.3 (MANE Select); coding-DNA position 581, C replaced by T.
Protein change: p.Ala194Val; replaces alanine 194 with valine.
Molecular consequence: missense variant.
Genome position (GRCh38, 1-based): chr15:73,367,690, G>A on the plus strand (C>T on the coding strand, the complement: HCN4 is on the minus strand). VCF-style: chr15-73367690-G-A. GRCh37 (hg19) VCF-style: chr15-73660031-G-A.
Other names: short protein forms A194V.
Identifiers: ClinVar variation 578100 (VCV000578100.9), dbSNP rs773676799, ClinGen allele CA7649457.